The following is an entry in ClinVar:

NM_015559.3(SETBP1):c.3364A>T (p.Ser1122Cys)

Gene: SETBP1 (SET binding protein 1; plus strand). Cytogenetic location: 18q12.3.
Variant type: single nucleotide variant.
Coding change: c.3364A>T on transcript NM_015559.3 (MANE Select); coding-DNA position 3364, A replaced by T.
Protein change: p.Ser1122Cys; replaces serine 1122 with cysteine.
Molecular consequence: missense variant.
Genome position (GRCh38, 1-based): chr18:44,952,704, A>T. VCF-style: chr18-44952704-A-T. GRCh37 (hg19) VCF-style: chr18-42532669-A-T.
Other names: c.3364A>T, p.Ser1122Cys (LRG_1150t1); c.3364A>T (NM_015559.2); short protein forms S1122C.
Identifiers: ClinVar variation 593832 (VCV000593832.11), dbSNP rs756393375, ClinGen allele CA8945891.

ClinVar aggregate classification (germline): Uncertain significance. Review status: criteria provided, multiple submitters, no conflicts (2 of 4 stars). 4 submissions from 4 submitters: Uncertain significance (3). 1 of the submissions does not count toward it. Last evaluated 2025-08-05.

Conditions:
SETBP1-related disorder. Also called: SETBP1-related condition; SETBP1-related disorders.
Inborn genetic diseases. Identifiers: MedGen C0950123, MeSH D030342.

Allele frequency attached by ClinVar (database versions not stated): gnomAD exomes below 0.00001 and 0.00001; TOPMed below 0.00001; ExAC 0.00001; gnomAD 0.00001.
gnomAD v4.1: 12 of 1,614,040 alleles (0.00074%); highest among the groups gnomAD compares: Non-Finnish European, 0.001%; no homozygotes.

Submissions (4):

Ambry Genetics
Classification: Uncertain significance for Inborn genetic diseases. Last evaluated: 2025-08-05. Review status: criteria provided, single submitter. Criteria: Ambry Variant Classification Scheme 2023. Collection method: clinical testing. Allele origin: germline.

Labcorp Genetics (formerly Invitae), Labcorp
Classification: Uncertain significance. Last evaluated: 2024-10-30. Review status: criteria provided, single submitter. Criteria: Invitae Variant Classification Sherloc (09022015). Collection method: clinical testing. Allele origin: germline.
Comment: This sequence change replaces serine, which is neutral and polar, with cysteine, which is neutral and slightly polar, at codon 1122 of the SETBP1 protein (p.Ser1122Cys). This variant is present in population databases (rs756393375, gnomAD 0.0009%). This variant has not been reported in the literature in individuals affected with SETBP1-related conditions. ClinVar contains an entry for this variant (Variation ID: 593832). Invitae Evidence Modeling of protein sequence and biophysical properties (such as structural, functional, and spatial information, amino acid conservation, physicochemical variation, residue mobility, and thermodynamic stability) indicates that this missense variant is not expected to disrupt SETBP1 protein function with a negative predictive value of 80%. In summary, the available evidence is currently insufficient to determine the role of this variant in disease. Therefore, it has been classified as a Variant of Uncertain Significance.

Eurofins Ntd Llc (ga)
Classification: Uncertain significance. Last evaluated: 2017-08-28. Review status: criteria provided, single submitter. Criteria: EGL Classification Definitions 2015. Collection method: clinical testing. Allele origin: germline. Observed: 1 variant allele, 1 heterozygote.

PreventionGenetics, part of Exact Sciences
Classification: Uncertain significance for SETBP1-related condition. Last evaluated: 2024-09-25. Review status: no assertion criteria provided. Collection method: clinical testing. Allele origin: germline. Not counted in ClinVar's aggregate classification.
Comment: The SETBP1 c.3364A>T variant is predicted to result in the amino acid substitution p.Ser1122Cys. To our knowledge, this variant has not been reported in the literature. This variant is reported in 0.00088% of alleles in individuals of European (Non-Finnish) descent in gnomAD. At this time, the clinical significance of this variant is uncertain due to the absence of conclusive functional and genetic evidence.